The following is an entry in ClinVar:

NM_021971.4(GMPPB):c.392G>C (p.Gly131Ala)

Gene: GMPPB (GDP-mannose pyrophosphorylase B; minus strand). Cytogenetic location: 3p21.31.
Variant type: single nucleotide variant.
Coding change: c.392G>C on transcript NM_021971.4 (MANE Select); coding-DNA position 392, G replaced by C.
Protein change: p.Gly131Ala; replaces glycine 131 with alanine.
Molecular consequence: missense variant.
Genome position (GRCh38, 1-based): chr3:49,722,982, C>G on the plus strand (G>C on the coding strand, the complement: GMPPB is on the minus strand). VCF-style: chr3-49722982-C-G. GRCh37 (hg19) VCF-style: chr3-49760415-C-G.
Other names: c.392G>C, p.Gly131Ala (NM_013334.4); short protein forms G131A.
Identifiers: ClinVar variation 451997 (VCV000451997.2), dbSNP rs1432142017, ClinGen allele CA352829423.

ClinVar aggregate classification (germline): Uncertain significance (1 of 4 stars; one submission).

gnomAD v4.1: 2 of 1,613,674 alleles (0.00012%); highest among the groups gnomAD compares: South Asian, 0.0022%; no homozygotes.

Submission:

GeneDx
Classification: Uncertain significance. Last evaluated: 2017-09-12. Review status: criteria provided, single submitter. Criteria: GeneDx Variant Classification (06012015). Collection method: clinical testing. Allele origin: germline. Affected: yes.
Comment: The G131A variant has not been published as a pathogenic variant, nor has it been reported as a benign variant to our knowledge. The G131A variant is not observed in large population cohorts (Lek et al., 2016; 1000 Genomes Consortium et al., 2015; Exome Variant Server). This variant is a conservative amino acid substitution, which is not likely to impact secondary protein structure as these residues share similar properties. However, this substitution occurs at a position that is conserved across species, and in silico analysis predicts this variant is probably damaging to the protein structure/function.